The following is an entry in ClinVar:

ClinVar aggregate classification (germline): Uncertain significance (1 of 4 stars; one submission).

Conditions:
Hereditary cancer-predisposing syndrome. Also called: Hereditary neoplastic syndrome; Tumor predisposition; Neoplastic Syndromes, Hereditary; Hereditary Cancer Syndrome. Identifiers: Orphanet 140162, MedGen C0027672, MeSH D009386, MONDO:0015356.

Submission:

Labcorp Genetics (formerly Invitae), Labcorp
Classification: Uncertain significance for Hereditary cancer-predisposing syndrome. Last evaluated: 2021-11-08. Review status: criteria provided, single submitter. Criteria: Invitae Variant Classification Sherloc (09022015). Collection method: clinical testing. Allele origin: germline.
Comment: In summary, the available evidence is currently insufficient to determine the role of this variant in disease. Therefore, it has been classified as a Variant of Uncertain Significance. Algorithms developed to predict the effect of missense changes on protein structure and function are either unavailable or do not agree on the potential impact of this missense change (SIFT: "Tolerated"; PolyPhen-2: "Possibly Damaging"; Align-GVGD: "Class C0"). This variant has not been reported in the literature in individuals affected with RAD50-related conditions. This variant is not present in population databases (gnomAD no frequency). This sequence change replaces glycine, which is neutral and non-polar, with alanine, which is neutral and non-polar, at codon 116 of the RAD50 protein (p.Gly116Ala).

NM_005732.4(RAD50):c.347G>C (p.Gly116Ala)

Gene: RAD50 (RAD50 double strand break repair protein; plus strand). Cytogenetic location: 5q31.1.
Variant type: single nucleotide variant.
Coding change: c.347G>C on transcript NM_005732.4 (MANE Select); coding-DNA position 347, G replaced by C.
Protein change: p.Gly116Ala; replaces glycine 116 with alanine.
Molecular consequence: missense variant.
Genome position (GRCh38, 1-based): chr5:132,575,910, G>C. VCF-style: chr5-132575910-G-C. GRCh37 (hg19) VCF-style: chr5-131911602-G-C.
Other names: short protein forms G116A.
Identifiers: ClinVar variation 1502410 (VCV001502410.6), dbSNP rs2149836473, ClinGen allele CA360931423.
Genomic context (GRCh38, chr5:132,575,910, plus strand): 5'-TGCAAAGATCTATGGTGTGTACTCAGAAAAGCAAAAAGACAGAATTTAAAACTCTGGAAG[G>C]AGTCATTACTAGAACAAAGTAGGTGTTTATATGATATTTGAATTTCTGTTCATTTTCAGT-3'
Protein context (NP_005723.2, residues 106-126): SKKTEFKTLE[Gly116Ala]VITRTKHGEK